The following is an entry in ClinVar:

ClinVar aggregate classification (germline): Uncertain significance (1 of 4 stars; one submission).

gnomAD v4.1: 1 of 1,614,074 alleles (0.000062%); highest among the groups gnomAD compares: Admixed American, 0.0017%; no homozygotes.

Submission:

Labcorp Genetics (formerly Invitae), Labcorp
Classification: Uncertain significance. Last evaluated: 2025-04-17. Review status: criteria provided, single submitter. Criteria: Invitae Variant Classification Sherloc (09022015). Collection method: clinical testing. Allele origin: germline.
Comment: This sequence change affects codon 94 of the DLC1 mRNA. It is a 'silent' change, meaning that it does not change the encoded amino acid sequence of the DLC1 protein. This variant is present in population databases (rs767597201, gnomAD 0.003%). This variant has not been reported in the literature in individuals affected with DLC1-related conditions. Algorithms developed to predict the effect of sequence changes on RNA splicing suggest that this variant may create or strengthen a splice site. In summary, the available evidence is currently insufficient to determine the role of this variant in disease. Therefore, it has been classified as a Variant of Uncertain Significance.

NM_182643.3(DLC1):c.282A>G (p.Glu94=)

Gene: DLC1 (DLC1 Rho GTPase activating protein; minus strand). Cytogenetic location: 8p22.
Variant type: single nucleotide variant.
Coding change: c.282A>G on transcript NM_182643.3 (MANE Select); coding-DNA position 282, A replaced by G.
Protein change: p.Glu94=; no amino-acid change (glutamic acid 94 retained).
Molecular consequence: synonymous variant. On other transcripts: 5 prime UTR variant (1).
Genome position (GRCh38, 1-based): chr8:13,499,790, T>C on the plus strand (A>G on the coding strand, the complement: DLC1 is on the minus strand). VCF-style: chr8-13499790-T-C. GRCh37 (hg19) VCF-style: chr8-13357299-T-C.
Other names: c.282A>G, p.Glu94= (NM_001348081.2, NM_001413124.1, NM_001413125.1 and 1 more transcripts); c.-1170A>G (NM_001348082.2).
Identifiers: ClinVar variation 4705216 (VCV004705216.1).
Genomic context (GRCh38, chr8:13,499,790, plus strand): 5'-ATCCTCATCAGAAACATGCACTAGTGTTTCTGTGCTGGCTTCCAGAGAAAGAAACTGATC[T>C]TCACCTTCATGGCTGTCATTTTCGTCCACATCCTTTGAAAGATGACCCATTGGCCTCCCA-3'
Protein context (NP_872584.2, residues 84-104): DVDENDSHEG[Glu94=]DQFLSLEAST